The following is an entry in ClinVar:

NM_001367624.2(ZNF469):c.1159G>A (p.Ala387Thr)

Gene: ZNF469 (zinc finger protein 469; plus strand). Cytogenetic location: 16q24.2.
Variant type: single nucleotide variant.
Coding change: c.1159G>A on transcript NM_001367624.2 (MANE Select); coding-DNA position 1159, G replaced by A.
Protein change: p.Ala387Thr; replaces alanine 387 with threonine.
Molecular consequence: missense variant.
Genome position (GRCh38, 1-based): chr16:88,428,629, G>A. VCF-style: chr16-88428629-G-A. GRCh37 (hg19) VCF-style: chr16-88495037-G-A.
Other names: NM_001127464.1:c.1159G>A; short protein forms A387T.
Identifiers: ClinVar variation 1736125 (VCV001736125.2), dbSNP rs2507573928, ClinGen allele CA397063495.

ClinVar aggregate classification (germline): Uncertain significance (1 of 4 stars; one submission).

Conditions:
Cardiovascular phenotype. Identifiers: MedGen CN230736.

Allele frequency attached by ClinVar (database versions not stated): gnomAD exomes below 0.00001.
gnomAD v4.1: 1 of 1,550,196 alleles (0.000065%); highest among the groups gnomAD compares: South Asian, 0.0012%; no homozygotes.

Submission:

Ambry Genetics
Classification: Uncertain significance for Cardiovascular phenotype. Last evaluated: 2021-06-22. Review status: criteria provided, single submitter. Criteria: Ambry Variant Classification Scheme 2023. Collection method: clinical testing. Allele origin: germline.
Comment: The p.A387T variant (also known as c.1159G>A), located in coding exon 1 of the ZNF469 gene, results from a G to A substitution at nucleotide position 1159. The alanine at codon 387 is replaced by threonine, an amino acid with similar properties. This amino acid position is conserved. In addition, this alteration is predicted to be tolerated by in silico analysis. Since supporting evidence is limited at this time, the clinical significance of this alteration remains unclear.